The following is an entry in ClinVar:

NM_000535.7(PMS2):c.2175-11G>T

Gene: PMS2 (PMS1 homolog 2, mismatch repair system component; minus strand). Cytogenetic location: 7p22.1.
Variant type: single nucleotide variant.
Coding change: c.2175-11G>T on transcript NM_000535.7 (MANE Select); 11 bases into the intron before coding-DNA position 2175, G replaced by T.
Molecular consequence: intron variant.
Genome position (GRCh38, 1-based): chr7:5,978,707, C>A on the plus strand (G>T on the coding strand, the complement: PMS2 is on the minus strand). VCF-style: chr7-5978707-C-A. GRCh37 (hg19) VCF-style: chr7-6018338-C-A.
Other names: c.1857-11G>T (NM_001322008.2, NM_001322007.2); c.1614-11G>T (NM_001322010.2); c.1770-11G>T (NM_001322004.2, NM_001322003.2, NM_001322009.2 and 1 more transcripts); c.1602-11G>T (NM_001322013.2); c.1242-11G>T (NM_001322012.2, NM_001322011.2); c.1866-11G>T (NM_001322015.2); c.2019-11G>T (NM_001322006.2); c.2175-11G>T (NM_001322014.2).
Identifiers: ClinVar variation 548762 (VCV000548762.9), dbSNP rs538914402, ClinGen allele CA572544126.

ClinVar aggregate classification (germline): Likely benign. Review status: criteria provided, multiple submitters, no conflicts (2 of 4 stars). 4 submissions from 4 submitters: Likely benign (3). 1 of the submissions does not count toward it. Last evaluated 2026-01-11.

Conditions:
Hereditary nonpolyposis colorectal neoplasms. Identifiers: MedGen C0009405, MeSH D003123.
Hereditary cancer-predisposing syndrome. Also called: Hereditary Cancer Syndrome; Hereditary neoplastic syndrome; Tumor predisposition; Neoplastic Syndromes, Hereditary. Identifiers: Orphanet 140162, MedGen C0027672, MeSH D009386, MONDO:0015356.
Lynch syndrome 4 (LYNCH4). Also called: Hereditary non-polyposis colorectal cancer, type 4; Colorectal cancer, hereditary nonpolyposis, type 4. Identifiers: Orphanet 144, MedGen C1838333, MONDO:0013699, OMIM 614337. Disease mechanism: loss of function.

Submissions (4):

Labcorp Genetics (formerly Invitae), Labcorp
Classification: Likely benign for Hereditary nonpolyposis colorectal neoplasms. Last evaluated: 2026-01-11. Review status: criteria provided, single submitter. Criteria: Invitae Variant Classification Sherloc (09022015). Collection method: clinical testing. Allele origin: germline.

Color Diagnostics, LLC DBA Color Health
Classification: Likely benign for Hereditary cancer-predisposing syndrome. Last evaluated: 2025-08-28. Review status: criteria provided, single submitter. Criteria: ACMG Guidelines, 2015. Collection method: clinical testing. Allele origin: germline.

Myriad Genetics, Inc.
Classification: Likely benign for Lynch syndrome 4. Last evaluated: 2023-04-03. Review status: criteria provided, single submitter. Criteria: Myriad Autosomal Dominant, Autosomal Recessive and X-Linked Classification Criteria (2023). Collection method: clinical testing. Allele origin: unknown.
Comment: This variant is considered likely benign. This variant is intronic and is not expected to impact mRNA splicing.

Counsyl
Classification: Likely benign for Lynch syndrome 4. Last evaluated: 2017-07-07. Review status: no assertion criteria provided. Collection method: clinical testing. Allele origin: unknown. Not counted in ClinVar's aggregate classification.